The following is an entry in ClinVar:

NM_003640.5(ELP1):c.3673GTG[1] (p.Val1226del)

Gene: ELP1 (elongator acetyltransferase complex subunit 1; minus strand). Cytogenetic location: 9q31.3.
Variant type: Microsatellite.
Coding change: c.3673GTG[1] on transcript NM_003640.5 (MANE Select); one copy of the 3-base unit GTG starting at c.3673; the reference has two copies in a row; one copy, 3 bases deleted; also written c.3676_3678del.
Protein change: p.Val1226del; deletes valine 1226.
Molecular consequence: inframe deletion.
Genome position (GRCh38, 1-based): chr9:108,878,645-108,878,647, CAC deleted on the plus strand (GTG on the coding strand, the reverse complement: ELP1 is on the minus strand); deleting any 3 consecutive bases within chr9:108,878,645-108,878,650 gives the same sequence; the position shown is the placement nearest the transcript's 3' end. VCF-style (leftmost placement, unchanged base first): chr9-108878644-GCAC-G. GRCh37 (hg19) VCF-style: chr9-111640924-GCAC-G.
Other names: c.3676_3678del (NM_003640.5); c.3331GTG[1], p.Val1112del (NM_001318360.2); c.2626GTG[1], p.Val877del (NM_001330749.2); short protein forms V1226del, V877del, V1112del.
Identifiers: ClinVar variation 970838 (VCV000970838.7), dbSNP rs1306291143, ClinGen allele CA589603808.

ClinVar aggregate classification (germline): Uncertain significance. Review status: criteria provided, single submitter (1 of 4 stars). 2 submissions from 2 submitters: Uncertain significance (1). 1 of the submissions does not count toward it. Last evaluated 2021-08-31.

Conditions:
Familial dysautonomia. Also called: HSAN III; FD. Identifiers: Orphanet 1764, MedGen C0013364, MONDO:0009131, OMIM 223900. Disease mechanism: loss of function.

Submissions (2):

Labcorp Genetics (formerly Invitae), Labcorp
Classification: Uncertain significance. Last evaluated: 2021-08-31. Review status: criteria provided, single submitter. Criteria: Invitae Variant Classification Sherloc (09022015). Collection method: clinical testing. Allele origin: germline.
Comment: This variant, c.3676_3678del, results in the deletion of 1 amino acid(s) of the ELP1 protein (p.Val1226del), but otherwise preserves the integrity of the reading frame. This variant is not present in population databases (ExAC no frequency). This variant has not been reported in the literature in individuals affected with ELP1-related conditions. Experimental studies and prediction algorithms are not available or were not evaluated, and the functional significance of this variant is currently unknown. In summary, the available evidence is currently insufficient to determine the role of this variant in disease. Therefore, it has been classified as a Variant of Uncertain Significance.

Natera, Inc.
Classification: Uncertain significance for Familial dysautonomia. Last evaluated: 2019-12-04. Review status: no assertion criteria provided. Collection method: clinical testing. Allele origin: germline. Not counted in ClinVar's aggregate classification.